The following is an entry in ClinVar:

NM_000204.5(CFI):c.157A>G (p.Arg53Gly)

Gene: CFI (complement factor I; minus strand). Cytogenetic location: 4q25.
Variant type: single nucleotide variant.
Coding change: c.157A>G on transcript NM_000204.5 (MANE Select); coding-DNA position 157, A replaced by G.
Protein change: p.Arg53Gly; replaces arginine 53 with glycine.
Molecular consequence: missense variant. On other transcripts: non-coding transcript variant (3), intron variant (1).
Genome position (GRCh38, 1-based): chr4:109,766,725, T>C on the plus strand (A>G on the coding strand, the complement: CFI is on the minus strand). VCF-style: chr4-109766725-T-C. GRCh37 (hg19) VCF-style: chr4-110687881-T-C.
Other names: c.157A>G, p.Arg53Gly (NM_001318057.2, NM_001331035.2, NM_001375278.1 and 10 more transcripts); c.-127-5033A>G (NM_001375284.1); short protein forms R53G.
Identifiers: ClinVar variation 5010175 (VCV005010175.1).

ClinVar aggregate classification (germline): Uncertain significance (1 of 4 stars; one submission).

Conditions:
Atypical hemolytic-uremic syndrome with I factor anomaly. Also called: HEMOLYTIC UREMIC SYNDROME, ATYPICAL, SUSCEPTIBILITY TO, 3; AHUS, SUSCEPTIBILITY TO, 3. Identifiers: Orphanet 2134, MedGen C2752039, MONDO:0013041, OMIM 612923.

Submission:

MVZ Medizinische Genetik Mainz
Classification: Uncertain significance for Atypical hemolytic-uremic syndrome with I factor anomaly. Last evaluated: 2026-08-18. Review status: criteria provided, single submitter. Criteria: UK Practice Guidelines For Variant Classification V4 01 2020. Collection method: clinical testing. Allele origin: germline. Inheritance: Autosomal dominant inheritance. Affected: yes. Observed: 1 variant allele.
Comment: ACMG Criteria: PM2_SUP,PP4,BP4